The following is an entry in ClinVar:

NM_006059.4(LAMC3):c.1631-1_1631delinsTG

Genes: LAMC3 (laminin subunit gamma 3; plus strand), LOC126860777 (BRD4-independent group 4 enhancer GRCh37_chr9:133927058-133928257; plus strand). Cytogenetic location: 9q34.12.
Variant type: Indel.
Coding change: c.1631-1_1631delinsTG on transcript NM_006059.4 (MANE Select); the canonical splice acceptor site of the intron before coding-DNA position 1631 through coding-DNA position 1631, GA replaced by TG.
Molecular consequence: splice acceptor variant.
Genome position (GRCh38, 1-based): chr9:131,052,490-131,052,491, GA replaced by TG. VCF-style: chr9-131052490-GA-TG. GRCh37 (hg19) VCF-style: chr9-133927877-GA-TG.
Identifiers: ClinVar variation 3729372 (VCV003729372.2).

ClinVar aggregate classification (germline): Likely pathogenic (1 of 4 stars; one submission).

Submission:

Labcorp Genetics (formerly Invitae), Labcorp
Classification: Likely pathogenic. Last evaluated: 2025-01-22. Review status: criteria provided, single submitter. Criteria: Invitae Variant Classification Sherloc (09022015). Collection method: clinical testing. Allele origin: germline.
Comment: This sequence change affects a splice site in intron 9 of the LAMC3 gene. It is expected to disrupt RNA splicing. Variants that disrupt the donor or acceptor splice site typically lead to a loss of protein function (PMID: 16199547), and loss-of-function variants in LAMC3 are known to be pathogenic (PMID: 21572413, 26802095). Information on the frequency of this variant in the gnomAD database is not available, as this variant may be reported differently in the database. This variant has not been reported in the literature in individuals affected with LAMC3-related conditions. In summary, the currently available evidence indicates that the variant is pathogenic, but additional data are needed to prove that conclusively. Therefore, this variant has been classified as Likely Pathogenic.

Literature cited by the submitters: PubMed 16199547; PubMed 21572413; PubMed 26802095.